The following is an entry in ClinVar:

NM_004370.6(COL12A1):c.7362T>G (p.Ser2454Arg)

Gene: COL12A1 (collagen type XII alpha 1 chain; minus strand). Cytogenetic location: 6q13.
Variant type: single nucleotide variant.
Coding change: c.7362T>G on transcript NM_004370.6 (MANE Select); coding-DNA position 7362, T replaced by G.
Protein change: p.Ser2454Arg; replaces serine 2454 with arginine.
Molecular consequence: missense variant.
Genome position (GRCh38, 1-based): chr6:75,117,539, A>C on the plus strand (T>G on the coding strand, the complement: COL12A1 is on the minus strand). VCF-style: chr6-75117539-A-C. GRCh37 (hg19) VCF-style: chr6-75827255-A-C.
Other names: p.Ser2454Arg; c.7362T>G, p.Ser2454Arg (NM_001424113.1); c.7341T>G, p.Ser2447Arg (NM_001424114.1); c.7089T>G, p.Ser2363Arg (NM_001424115.1); c.3870T>G, p.Ser1290Arg (NM_001424116.1, NM_080645.3); short protein forms S1290R, S2363R, S2447R, S2454R.
Identifiers: ClinVar variation 3379699 (VCV003379699.1).

ClinVar aggregate classification (germline): Uncertain significance (1 of 4 stars; one submission).

Submission:

Mayo Clinic Laboratories, Mayo Clinic
Classification: Uncertain significance. Last evaluated: 2024-04-03. Review status: criteria provided, single submitter. Criteria: ACMG Guidelines, 2015. Collection method: clinical testing. Allele origin: germline. Observed: 1 variant allele.
Comment: PM2